The following is an entry in ClinVar:

NM_020822.3(KCNT1):c.1510+307T>C

Gene: KCNT1 (potassium sodium-activated channel subfamily T member 1; plus strand). Cytogenetic location: 9q34.3.
Variant type: single nucleotide variant.
Coding change: c.1510+307T>C on transcript NM_020822.3 (MANE Select); 307 bases into the intron after coding-DNA position 1510, T replaced by C.
Molecular consequence: intron variant.
Genome position (GRCh38, 1-based): chr9:135,769,244, T>C. VCF-style: chr9-135769244-T-C. GRCh37 (hg19) VCF-style: chr9-138661090-T-C.
Other names: c.1375+307T>C (NM_001272003.2).
Identifiers: ClinVar variation 683577 (VCV000683577.1), dbSNP rs56187647, ClinGen allele CA13003895.
Genomic context (GRCh38, chr9:135,769,244, plus strand): 5'-TGTGCACACGTGGGTGACAGTGCATCTGGGGCAGGGCACGTGTGCACGTGTGTGTCGGTG[T>C]GTCTGGGGCAGGGCGCGTGTGCATGCTGTTGGGTGATGGTGCGTCTGGGGCAGGGCGCGT-3'

ClinVar aggregate classification (germline): Benign (1 of 4 stars; one submission).

Allele frequency attached by ClinVar (database versions not stated): gnomAD 0.09484 and 0.09690; 1000 Genomes Project 0.17891; TOPMed 0.20112.
gnomAD v4.1: 10,179 of 106,962 alleles (9.5%); highest among the groups gnomAD compares: Middle Eastern, 12%; 920 homozygotes.

Submission:

GeneDx
Classification: Benign. Last evaluated: 2018-06-18. Review status: criteria provided, single submitter. Criteria: GeneDx Variant Classification (06012015). Collection method: clinical testing. Allele origin: germline. Affected: yes.
Comment: This variant is considered likely benign or benign based on one or more of the following criteria: it is a conservative change, it occurs at a poorly conserved position in the protein, it is predicted to be benign by multiple in silico algorithms, and/or has population frequency not consistent with disease.